The following is an entry in ClinVar:

NM_001033855.3(DCLRE1C):c.1261G>A (p.Val421Ile)

Gene: DCLRE1C (DNA cross-link repair 1C; minus strand). Cytogenetic location: 10p13.
Variant type: single nucleotide variant.
Coding change: c.1261G>A on transcript NM_001033855.3 (MANE Select); coding-DNA position 1261, G replaced by A.
Protein change: p.Val421Ile; replaces valine 421 with isoleucine.
Molecular consequence: missense variant. On other transcripts: non-coding transcript variant (4).
Genome position (GRCh38, 1-based): chr10:14,909,226, C>T on the plus strand (G>A on the coding strand, the complement: DCLRE1C is on the minus strand). VCF-style: chr10-14909226-C-T. GRCh37 (hg19) VCF-style: chr10-14951225-C-T.
Other names: c.901G>A, p.Val301Ile (NM_001033857.3, NM_001033858.3, NM_001289077.2 and 2 more transcripts); c.916G>A, p.Val306Ile (NM_001289076.2, NM_001289078.2, NM_001350966.2 and 1 more transcripts); c.1261G>A, p.Val421Ile (NM_001350965.2); short protein forms V421I, V306I, V301I.
Identifiers: ClinVar variation 576550 (VCV000576550.6), dbSNP rs770043960, ClinGen allele CA5416512.

ClinVar aggregate classification (germline): Conflicting classifications of pathogenicity. Review status: criteria provided, conflicting classifications (1 of 4 stars). 3 submissions from 3 submitters: Uncertain significance (1); Likely benign (1). 1 of the submissions does not count toward it. Last evaluated 2024-10-24.

Conditions:
Athabaskan severe combined immunodeficiency (SCIDA). Also called: Severe combined immunodeficiency, athabascan-type. Identifiers: MedGen C1865370.
Severe combined immunodeficiency due to DCLRE1C deficiency (RS-SCID). Also called: SCID, AUTOSOMAL RECESSIVE, T CELL-NEGATIVE, B CELL-NEGATIVE, NK CELL-POSITIVE, WITH SENSITIVITY TO IONIZING RADIATION. Identifiers: Orphanet 275, MedGen C1865371, MONDO:0011225, OMIM 602450.

Allele frequency attached by ClinVar (database versions not stated): gnomAD 0.00001; gnomAD exomes 0.00002 and 0.00001; ExAC 0.00001.

Submissions (3):

Labcorp Genetics (formerly Invitae), Labcorp
Classification: Uncertain significance for Athabaskan severe combined immunodeficiency. Last evaluated: 2024-10-24. Review status: criteria provided, single submitter. Criteria: Invitae Variant Classification Sherloc (09022015). Collection method: clinical testing. Allele origin: germline.
Comment: This sequence change replaces valine, which is neutral and non-polar, with isoleucine, which is neutral and non-polar, at codon 421 of the DCLRE1C protein (p.Val421Ile). This variant is present in population databases (rs770043960, gnomAD 0.01%). This variant has not been reported in the literature in individuals affected with DCLRE1C-related conditions. ClinVar contains an entry for this variant (Variation ID: 576550). An algorithm developed to predict the effect of missense changes on protein structure and function outputs the following: PolyPhen-2: "Benign". The isoleucine amino acid residue is found in multiple mammalian species, which suggests that this missense change does not adversely affect protein function. In summary, the available evidence is currently insufficient to determine the role of this variant in disease. Therefore, it has been classified as a Variant of Uncertain Significance.

Blueprint Genetics
Classification: Likely benign. Last evaluated: 2021-04-28. Review status: criteria provided, single submitter. Criteria: ACMG Guidelines, 2015. Collection method: clinical testing. Allele origin: germline.

Natera, Inc.
Classification: Uncertain significance for Athabascan severe combined immunodeficiency. Last evaluated: 2020-07-31. Review status: no assertion criteria provided. Collection method: clinical testing. Allele origin: germline. Not counted in ClinVar's aggregate classification.